The following is an entry in ClinVar:

ClinVar aggregate classification (germline): Uncertain significance (1 of 4 stars; one submission).

Conditions:
Long QT syndrome (LQTS). Identifiers: MedGen C0023976, MeSH D008133, MONDO:0002442. Disease mechanism: loss of function. Inheritance: Various modes of inheritance.

Submission:

Labcorp Genetics (formerly Invitae), Labcorp
Classification: Uncertain significance for Long QT syndrome. Last evaluated: 2018-10-29. Review status: criteria provided, single submitter. Criteria: Invitae Variant Classification Sherloc (09022015). Collection method: clinical testing. Allele origin: germline.
Comment: This sequence change replaces valine with alanine at codon 2973 of the ANK2 protein (p.Val2973Ala). The valine residue is weakly conserved and there is a small physicochemical difference between valine and alanine. This variant is not present in population databases (ExAC no frequency). This variant has not been reported in the literature in individuals with ANK2-related disease. Algorithms developed to predict the effect of missense changes on protein structure and function (SIFT, PolyPhen-2, Align-GVGD) all suggest that this variant is likely to be tolerated, but these predictions have not been confirmed by published functional studies and their clinical significance is uncertain. In summary, the available evidence is currently insufficient to determine the role of this variant in disease. Therefore, it has been classified as a Variant of Uncertain Significance.

NM_001148.6(ANK2):c.8918T>C (p.Val2973Ala)

Gene: ANK2 (ankyrin 2; plus strand). Cytogenetic location: 4q26.
Variant type: single nucleotide variant.
Coding change: c.8918T>C on transcript NM_001148.6 (MANE Select); coding-DNA position 8918, T replaced by C.
Protein change: p.Val2973Ala; replaces valine 2973 with alanine.
Molecular consequence: missense variant. On other transcripts: intron variant (68).
Genome position (GRCh38, 1-based): chr4:113,357,536, T>C. VCF-style: chr4-113357536-T-C. GRCh37 (hg19) VCF-style: chr4-114278692-T-C.
Other names: c.8684T>C, p.Val2895Ala (NM_001386142.1); c.5318T>C, p.Val1773Ala (NM_001386166.1); c.9059T>C, p.Val3020Ala (NM_001386174.1); c.9035T>C, p.Val3012Ala (NM_001386175.1); c.4412-3287T>C (NM_001386186.2, NM_001386148.2); c.4214-3287T>C (NM_001354269.3); c.4292-3287T>C (NM_001386187.2); c.4253-3287T>C (NM_001386147.1); and 35 more; short protein forms V2973A, V1773A, V2895A, V3012A, V3020A.
Identifiers: ClinVar variation 660574 (VCV000660574.5), dbSNP rs142302291, ClinGen allele CA357935835.